The following is an entry in ClinVar:

NM_000051.4(ATM):c.6688A>T (p.Ile2230Phe)

Genes: ATM (ATM serine/threonine kinase; plus strand), C11orf65 (chromosome 11 open reading frame 65; minus strand). Cytogenetic location: 11q22.3.
Variant type: single nucleotide variant.
Coding change: c.6688A>T on transcript NM_000051.4 (MANE Select); coding-DNA position 6688, A replaced by T.
Protein change: p.Ile2230Phe; replaces isoleucine 2230 with phenylalanine.
Molecular consequence: missense variant. On other transcripts: intron variant (2).
Genome position (GRCh38, 1-based): chr11:108,325,425, A>T. VCF-style: chr11-108325425-A-T. GRCh37 (hg19) VCF-style: chr11-108196152-A-T.
Other names: c.6688A>T, p.Ile2230Phe (NM_001351834.2); c.641-16354T>A (NM_001330368.2); c.*38+9795T>A (NM_001351110.2); short protein forms I2230F.
Identifiers: ClinVar variation 2453931 (VCV002453931.2), dbSNP rs2547203349, ClinGen allele CA382554898.
Genomic context (GRCh38, chr11:108,325,425, plus strand): 5'-CAGCTTCTCAAGGACAGTGATTTTAGTTTTCAGGAGCCTATCATGGCTCTACGCACAGTC[A>T]TTTTGGAGATCCTGATGGAAAAGGAAATGGACAACTCACAAAGAGAATGTATTAAGGACA-3'
Protein context (NP_000042.3, residues 2220-2240): QEPIMALRTV[Ile2230Phe]LEILMEKEMD

ClinVar aggregate classification (germline): Uncertain significance (1 of 4 stars; one submission).

Conditions:
Hereditary cancer-predisposing syndrome. Also called: Tumor predisposition; Hereditary Cancer Syndrome; Hereditary neoplastic syndrome; Neoplastic Syndromes, Hereditary. Identifiers: Orphanet 140162, MedGen C0027672, MeSH D009386, MONDO:0015356.

Submission:

Ambry Genetics
Classification: Uncertain significance for Hereditary cancer-predisposing syndrome. Last evaluated: 2022-11-25. Review status: criteria provided, single submitter. Criteria: Ambry Variant Classification Scheme 2023. Collection method: clinical testing. Allele origin: germline.
Comment: The p.I2230F variant (also known as c.6688A>T), located in coding exon 45 of the ATM gene, results from an A to T substitution at nucleotide position 6688. The isoleucine at codon 2230 is replaced by phenylalanine, an amino acid with highly similar properties. This amino acid position is conserved. In addition, this alteration is predicted to be tolerated by in silico analysis. Since supporting evidence is limited at this time, the clinical significance of this alteration remains unclear.